The following is an entry in ClinVar:

NM_000090.4(COL3A1):c.217G>A (p.Asp73Asn)

Gene: COL3A1 (collagen type III alpha 1 chain; plus strand). Cytogenetic location: 2q32.2.
Variant type: single nucleotide variant.
Coding change: c.217G>A on transcript NM_000090.4 (MANE Select); coding-DNA position 217, G replaced by A.
Protein change: p.Asp73Asn; replaces aspartic acid 73 with asparagine.
Molecular consequence: missense variant.
Genome position (GRCh38, 1-based): chr2:188,984,897, G>A. VCF-style: chr2-188984897-G-A. GRCh37 (hg19) VCF-style: chr2-189849623-G-A.
Other names: short protein forms D73N.
Identifiers: ClinVar variation 5021075 (VCV005021075.1).

ClinVar aggregate classification (germline): Uncertain significance (1 of 4 stars; one submission).

Submission:

Dasa
Classification: Uncertain significance. Last evaluated: 2026-07-29. Review status: criteria provided, single submitter. Criteria: DASA Assertion Criteria. Collection method: clinical testing. Allele origin: germline.
Comment: NM_000090.4(COL3A1):c.217G>A (p.Asp73Asn) is a missense variant that results in the substitution of aspartic acid with asparagine. This variant is rare in population databases. The currently available literature and clinical evidence are not sufficient to establish a definitive association between this variant and the reported condition. Therefore, this variant is classified as a variant of uncertain significance.